The following is an entry in ClinVar:

ClinVar aggregate classification (germline): Uncertain significance. Review status: criteria provided, single submitter (1 of 4 stars). 2 submissions from 2 submitters: Uncertain significance (1). 1 of the submissions does not count toward it. Last evaluated 2020-02-07.

Conditions:
Cohen syndrome (COH1). Also called: Cutis verticis gyrata, retinitis pigmentosa, and sensorineural deafness; PEPPER SYNDROME. Identifiers: Orphanet 193, MedGen C0265223, MONDO:0008999, OMIM 216550.

Allele frequency attached by ClinVar (database versions not stated): gnomAD exomes below 0.00001.
gnomAD v4.1: 1 of 1,614,076 alleles (0.000062%); highest among the groups gnomAD compares: Non-Finnish European, 0.000085%; no homozygotes.

Submissions (2):

Labcorp Genetics (formerly Invitae), Labcorp
Classification: Uncertain significance for Cohen syndrome. Last evaluated: 2020-02-07. Review status: criteria provided, single submitter. Criteria: Invitae Variant Classification Sherloc (09022015). Collection method: clinical testing. Allele origin: germline.
Comment: In summary, the available evidence is currently insufficient to determine the role of this variant in disease. Therefore, it has been classified as a Variant of Uncertain Significance. Algorithms developed to predict the effect of missense changes on protein structure and function (SIFT, PolyPhen-2, Align-GVGD) all suggest that this variant is likely to be tolerated, but these predictions have not been confirmed by published functional studies and their clinical significance is uncertain. This variant has not been reported in the literature in individuals with VPS13B-related conditions. This variant is not present in population databases (ExAC no frequency). This sequence change replaces serine with asparagine at codon 111 of the VPS13B protein (p.Ser111Asn). The serine residue is weakly conserved and there is a small physicochemical difference between serine and asparagine.

Natera, Inc.
Classification: Uncertain significance for Cohen syndrome. Last evaluated: 2020-04-29. Review status: no assertion criteria provided. Collection method: clinical testing. Allele origin: germline. Not counted in ClinVar's aggregate classification.

NM_152564.5(VPS13B):c.332G>A (p.Ser111Asn)

Gene: VPS13B (vacuolar protein sorting 13 homolog B; plus strand). Cytogenetic location: 8q22.2.
Variant type: single nucleotide variant.
Coding change: c.332G>A on transcript NM_152564.5 (MANE Select); coding-DNA position 332, G replaced by A.
Protein change: p.Ser111Asn; replaces serine 111 with asparagine.
Molecular consequence: missense variant. On other transcripts: non-coding transcript variant (1).
Genome position (GRCh38, 1-based): chr8:99,096,352, G>A. VCF-style: chr8-99096352-G-A. GRCh37 (hg19) VCF-style: chr8-100108580-G-A.
Other names: c.332G>A, p.Ser111Asn (NM_015243.3, NM_017890.5, NM_181661.3); short protein forms S111N.
Identifiers: ClinVar variation 956559 (VCV000956559.9), dbSNP rs1846417432, ClinGen allele CA371858092.